The following is an entry in ClinVar:

NM_138694.4(PKHD1):c.4233del (p.Leu1412fs)

Gene: PKHD1 (PKHD1 ciliary IPT domain containing fibrocystin/polyductin; minus strand). Cytogenetic location: 6p12.2.
Variant type: Deletion.
Coding change: c.4233del on transcript NM_138694.4 (MANE Select); coding-DNA position 4233, one base deleted (G; older notation c.4233delG).
Protein change: p.Leu1412fs; shifts the reading frame from leucine 1412.
Molecular consequence: frameshift variant.
Genome position (GRCh38, 1-based): chr6:52,025,577, C deleted on the plus strand (G on the coding strand, the reverse complement: PKHD1 is on the minus strand); the first of 5 consecutive C bases (chr6:52,025,577-52,025,581); deleting any one gives the same sequence. VCF-style (leftmost placement, unchanged base first): chr6-52025576-AC-A. GRCh37 (hg19) VCF-style: chr6-51890374-AC-A.
Other names: c.4233del, p.Leu1412fs (NM_170724.3); short protein forms L1412fs.
Identifiers: ClinVar variation 4816661 (VCV004816661.1).
Genomic context (GRCh38, chr6:52,025,576, plus strand): 5'-CACAAGTAAAAGGACCCGAGAGGTCAACCCGAACTGACCTCCTTCTAGAGTTAAGAAGCA[AC>A]CCCCTCACAGTAAGTATGGTCCCACCACATGCCGAACCCTGCGATGGGAAGATGGCCATT-3'

ClinVar aggregate classification (germline): Likely pathogenic (1 of 4 stars; one submission).

Conditions:
Autosomal recessive polycystic kidney disease (ARPKD). Also called: AR polycystic kidney disease. Identifiers: Orphanet 731, Orphanet 8378, MedGen C0085548, MeSH D017044, MONDO:0009889.

Submission:

Natera, Inc.
Classification: Likely pathogenic for Autosomal recessive polycystic kidney disease. Last evaluated: 2025-08-25. Review status: criteria provided, single submitter. Criteria: Natera Variant Classification Schema (03/2026). Collection method: clinical testing. Allele origin: germline.
Comment: The c.4233del variant in PKHD1 is a frameshift variant predicted to shift the reading frame beginning at codon 1412 and leads to a stop codon 21 codons downstream. This variant is expected to result in nonsense mediated decay, truncation, or a dysfunctional protein product. This variant is rare in the general population with a frequency below the threshold expected for the associated phenotype(s). Given the available evidence, this variant is classified as Likely Pathogenic.